The following is an entry in ClinVar:

NM_013444.4(UBQLN2):c.1461C>A (p.Thr487=)

Gene: UBQLN2 (ubiquilin 2; plus strand). Cytogenetic location: Xp11.21.
Variant type: single nucleotide variant.
Coding change: c.1461C>A on transcript NM_013444.4 (MANE Select); coding-DNA position 1461, C replaced by A.
Protein change: p.Thr487=; no amino-acid change (threonine 487 retained).
Molecular consequence: synonymous variant.
Genome position (GRCh38, 1-based): chrX:56,565,334, C>A. VCF-style: chrX-56565334-C-A. GRCh37 (hg19) VCF-style: chrX-56591767-C-A.
Other names: p.Thr487=.
Identifiers: ClinVar variation 260311 (VCV000260311.65), dbSNP rs45559331, ClinGen allele CA10430171.
Genomic context (GRCh38, chrX:56,565,334, plus strand): 5'-TGAAGCACCTGGCCTGATTCCGAGCTTCACTCCAGGTGTGGGGGTGGGGGTGCTGGGAAC[C>A]GCTATAGGCCCTGTAGGCCCAGTCACCCCCATAGGCCCCATAGGCCCTATAGTCCCTTTT-3'
Protein context (NP_038472.2, residues 477-497): TPGVGVGVLG[Thr487=]AIGPVGPVTP

ClinVar aggregate classification (germline): Conflicting classifications of pathogenicity. Review status: criteria provided, conflicting classifications (1 of 4 stars). 11 submissions from 11 submitters: Uncertain significance (1); Benign (7). 3 of the submissions do not count toward it. Last evaluated 2026-01-31.

Conditions:
Amyotrophic lateral sclerosis type 15. Also called: AMYOTROPHIC LATERAL SCLEROSIS 15 WITH FRONTOTEMPORAL DEMENTIA. Identifiers: Orphanet 803, MedGen C3275459, MONDO:0010459, OMIM 300857.

Allele frequency attached by ClinVar (database versions not stated): 1000 Genomes Project 0.00450; 1000 Genomes Project 30x 0.00499; gnomAD 0.00516; ESP Exome Variant Server 0.00568; TOPMed 0.00573; gnomAD exomes 0.00595; ExAC 0.00705.

Submissions (11):

Labcorp Genetics (formerly Invitae), Labcorp
Classification: Benign for Amyotrophic lateral sclerosis type 15. Last evaluated: 2026-01-31. Review status: criteria provided, single submitter. Criteria: Invitae Variant Classification Sherloc (09022015). Collection method: clinical testing. Allele origin: germline.

Athena Diagnostics
Classification: Benign. Last evaluated: 2025-01-31. Review status: criteria provided, single submitter. Criteria: Athena Diagnostics Criteria. Collection method: clinical testing. Allele origin: unknown.
Comment: The frequency of this variant in the general population is higher than would generally be expected for pathogenic variants in this gene. This nucleotide position exhibits low evolutionary conservation.

Molecular Genetics, Royal Melbourne Hospital
Classification: Benign for Amyotrophic lateral sclerosis type 15. Last evaluated: 2023-06-06. Review status: criteria provided, single submitter. Criteria: ACMG Guidelines, 2015. Collection method: clinical testing. Allele origin: germline. Inheritance: X-linked dominant inheritance.

Mayo Clinic Laboratories, Mayo Clinic
Classification: Benign. Last evaluated: 2022-10-21. Review status: criteria provided, single submitter. Criteria: ACMG Guidelines, 2015. Collection method: clinical testing. Allele origin: germline. Observed: 19 variant alleles.

GeneDx
Classification: Benign. Last evaluated: 2018-10-02. Review status: criteria provided, single submitter. Criteria: GeneDx Variant Classification Process June 2021. Collection method: clinical testing. Allele origin: germline. Affected: yes.

Illumina Laboratory Services, Illumina
Classification: Benign for Amyotrophic lateral sclerosis type 15. Last evaluated: 2018-01-13. Review status: criteria provided, single submitter. Criteria: ICSL Variant Classification Criteria 13 December 2019. Collection method: clinical testing. Allele origin: germline.
Comment: This variant was observed in the ICSL laboratory as part of a predisposition screen in an ostensibly healthy population. It had not been previously curated by ICSL or reported in the Human Gene Mutation Database (HGMD: prior to June 1st, 2018), and was therefore a candidate for classification through an automated scoring system. Utilizing variant allele frequency, disease prevalence and penetrance estimates, and inheritance mode, an automated score was calculated to assess if this variant is too frequent to cause the disease. Based on the score and internal cut-off values, a variant classified as benign is not then subjected to further curation. The score for this variant resulted in a classification of benign for this disease.

CeGaT Center for Human Genetics Tuebingen
Classification: Uncertain significance. Last evaluated: 2017-09-01. Review status: criteria provided, single submitter. Criteria: CeGaT Center For Human Genetics Tuebingen Variant Classification Criteria Version 2. Collection method: clinical testing. Allele origin: germline. Affected: yes. Observed: 1 variant allele.

PreventionGenetics, part of Exact Sciences
Classification: Benign. Last evaluated: 2016-04-01. Review status: criteria provided, single submitter. Criteria: ACMG Guidelines, 2015. Collection method: clinical testing. Allele origin: germline.

Clinical Genetics DNA and cytogenetics Diagnostics Lab, Erasmus MC, Erasmus Medical Center
Classification: Benign. Review status: no assertion criteria provided. Collection method: clinical testing. Allele origin: germline. Affected: yes. Study: VKGL Data-share Consensus. Not counted in ClinVar's aggregate classification.

Genome Diagnostics Laboratory, Amsterdam University Medical Center
Classification: Likely benign. Review status: no assertion criteria provided. Collection method: clinical testing. Allele origin: germline. Affected: yes. Study: VKGL Data-share Consensus. Not counted in ClinVar's aggregate classification.

Genome Diagnostics Laboratory, University Medical Center Utrecht
Classification: Benign. Review status: no assertion criteria provided. Collection method: clinical testing. Allele origin: germline. Affected: yes. Study: VKGL Data-share Consensus. Not counted in ClinVar's aggregate classification.

Literature cited by the submitters: PubMed 19377476 (cited by Athena Diagnostics); PubMed 23138764 (cited by Athena Diagnostics).